The following is an entry in ClinVar:

ClinVar aggregate classification (germline): not provided (0 of 4 stars; one submission).

Allele frequency attached by ClinVar (database versions not stated): gnomAD exomes below 0.00001 and 0.00001; ExAC 0.00001; gnomAD 0.00001; 1000 Genomes Project 30x 0.00016; 1000 Genomes Project 0.00020.
gnomAD v4.1: 4 of 1,613,352 alleles (0.00025%); highest among the groups gnomAD compares: South Asian, 0.0044%; no homozygotes.

Submission:

ITMI
No classification provided. Condition: AllHighlyPenetrant. Last evaluated: 2013-09-19. Review status: no classification provided. Collection method: reference population. Allele origin: germline.
Comment: Please see associated publication for description of ethnicities

Literature cited by the submitters: PubMed 24728327.

NM_001198.4(PRDM1):c.1147A>G (p.Thr383Ala)

Gene: PRDM1 (PR/SET domain 1; plus strand). Cytogenetic location: 6q21.
Variant type: single nucleotide variant.
Coding change: c.1147A>G on transcript NM_001198.4 (MANE Select); coding-DNA position 1147, A replaced by G.
Protein change: p.Thr383Ala; replaces threonine 383 with alanine.
Molecular consequence: missense variant.
Genome position (GRCh38, 1-based): chr6:106,105,307, A>G. VCF-style: chr6-106105307-A-G. GRCh37 (hg19) VCF-style: chr6-106553182-A-G.
Other names: c.745A>G, p.Thr249Ala (NM_182907.3); short protein forms T383A, T249A.
Identifiers: ClinVar variation 135079 (VCV000135079.1), dbSNP rs531488985, ClinGen allele CA161624.